The following is an entry in ClinVar:

ClinVar aggregate classification (germline): Uncertain significance. Review status: criteria provided, multiple submitters, no conflicts (2 of 4 stars). 2 submissions from 2 submitters: Uncertain significance (2). Last evaluated 2024-10-03.

Submissions (2):

Ambry Genetics
Classification: Uncertain significance. Last evaluated: 2024-10-03. Review status: criteria provided, single submitter. Criteria: Ambry Variant Classification Scheme 2023. Collection method: clinical testing. Allele origin: germline.
Comment: The c.1155_1158delTGTT variant, located in coding exon 9 of the RECQL gene, results from a deletion of 4 nucleotides at nucleotide positions 1155 to 1158, causing a translational frameshift with a predicted alternate stop codon (p.F385Lfs*6). This alteration is expected to result in loss of function by premature protein truncation or nonsense-mediated mRNA decay. The evidence for this gene-disease relationship is limited; therefore, the clinical significance of this alteration is unclear.

Labcorp Genetics (formerly Invitae), Labcorp
Classification: Uncertain significance. Last evaluated: 2020-11-06. Review status: criteria provided, single submitter. Criteria: Invitae Variant Classification Sherloc (09022015). Collection method: clinical testing. Allele origin: germline.
Comment: This sequence change creates a premature translational stop signal (p.Phe385Leufs*6) in the RECQL gene. It is expected to result in an absent or disrupted protein product. However, the current clinical and genetic evidence is not sufficient to establish whether loss-of-function variants in RECQL cause disease. This variant is not present in population databases (ExAC no frequency). This variant has not been reported in the literature in individuals with RECQL-related conditions. In summary, the available evidence is currently insufficient to determine the role of this variant in disease. Therefore, it has been classified as a Variant of Uncertain Significance.

NM_002907.4(RECQL):c.1155_1158del (p.Phe385fs)

Gene: RECQL (RecQ like helicase; minus strand). Cytogenetic location: 12p12.1.
Variant type: Deletion.
Coding change: c.1155_1158del on transcript NM_002907.4 (MANE Select); coding-DNA positions 1155 to 1158, 4 bases deleted (TGTT; older notation c.1155_1158delTGTT).
Protein change: p.Phe385fs; shifts the reading frame from phenylalanine 385.
Molecular consequence: frameshift variant.
Genome position (GRCh38, 1-based): chr12:21,475,526-21,475,529, AACA deleted on the plus strand (TGTT on the coding strand, the reverse complement: RECQL is on the minus strand); deleting any 4 consecutive bases within chr12:21,475,526-21,475,532 gives the same sequence; the c. name uses the placement nearest the transcript's 3' end. VCF-style (leftmost placement, unchanged base first): chr12-21475525-TAACA-T. GRCh37 (hg19) VCF-style: chr12-21628459-TAACA-T.
Other names: c.1155_1158del, p.Phe385fs (NM_032941.3); short protein forms F385fs.
Identifiers: ClinVar variation 1408518 (VCV001408518.9), dbSNP rs1252404021, ClinGen allele CA603672925.